The following is an entry in ClinVar:

NM_000264.5(PTCH1):c.4140C>T (p.Ala1380=)

Gene: PTCH1 (patched 1; minus strand). Cytogenetic location: 9q22.32.
Variant type: single nucleotide variant.
Coding change: c.4140C>T on transcript NM_000264.5 (MANE Select); coding-DNA position 4140, C replaced by T.
Protein change: p.Ala1380=; no amino-acid change (alanine 1380 retained).
Molecular consequence: synonymous variant. On other transcripts: non-coding transcript variant (1).
Genome position (GRCh38, 1-based): chr9:95,447,116, G>A on the plus strand (C>T on the coding strand, the complement: PTCH1 is on the minus strand). VCF-style: chr9-95447116-G-A. GRCh37 (hg19) VCF-style: chr9-98209398-G-A.
Other names: c.3942C>T, p.Ala1314= (NM_001083602.3); c.4137C>T, p.Ala1379= (NM_001083603.3); c.3687C>T, p.Ala1229= (NM_001083604.3, NM_001083605.3, NM_001083606.3 and 1 more transcripts); c.3984C>T, p.Ala1328= (NM_001354918.2); c.4140C>T (NM_000264.4).
Identifiers: ClinVar variation 237497 (VCV000237497.22), dbSNP rs752595145, ClinGen allele CA5137943.
Genomic context (GRCh38, chr9:95,447,116, plus strand): 5'-GCCTGGGCAGAGTCCCCCTCGGGGGTTCCGCCCAGGCCCAGGGACAGGCGGCGGGTGCAC[G>A]GCGACAGTCACGGAGGCAGAAGCCGTCACAGTGGTGATGGGCTGGCAGTAGCCGGGCACG-3'
Protein context (NP_000255.2, residues 1370-1390): TVTASASVTV[Ala1380=]VHPPPVPGPG

ClinVar aggregate classification (germline): Benign/Likely benign. Review status: criteria provided, multiple submitters, no conflicts (2 of 4 stars). 6 submissions from 6 submitters: Benign (2); Likely benign (3). 1 of the submissions does not count toward it. Last evaluated 2026-06-01.

Conditions:
Hereditary cancer-predisposing syndrome. Also called: Tumor predisposition; Hereditary Cancer Syndrome; Neoplastic Syndromes, Hereditary; Hereditary neoplastic syndrome. Identifiers: Orphanet 140162, MedGen C0027672, MeSH D009386, MONDO:0015356.
Gorlin syndrome. Also called: Nevoid Basal Cell Carcinoma Syndrome; Basal cell nevus syndrome. Identifiers: Orphanet 377, MedGen C0004779, MONDO:0007187.
PTCH1-related disorder. Also called: PTCH1-related disorders; PTCH1-related condition.

Allele frequency attached by ClinVar (database versions not stated): gnomAD 0.00003; TOPMed 0.00014.
gnomAD v4.1: 166 of 1,613,370 alleles (0.01%); highest among the groups gnomAD compares: Admixed American, 0.023%; no homozygotes.

Submissions (6):

CeGaT Center for Human Genetics Tuebingen
Classification: Likely benign. Last evaluated: 2026-06-01. Review status: criteria provided, single submitter. Criteria: CeGaT Center For Human Genetics Tuebingen Variant Classification Criteria Version 2. Collection method: clinical testing. Allele origin: germline. Affected: yes. Observed: 1 variant allele.
Comment: PTCH1: BP4, BP7

Labcorp Genetics (formerly Invitae), Labcorp
Classification: Benign for Gorlin syndrome. Last evaluated: 2025-12-26. Review status: criteria provided, single submitter. Criteria: Invitae Variant Classification Sherloc (09022015). Collection method: clinical testing. Allele origin: germline.

Quest Diagnostics Nichols Institute San Juan Capistrano
Classification: Benign. Last evaluated: 2025-11-08. Review status: criteria provided, single submitter. Criteria: Quest Diagnostics criteria. Collection method: clinical testing. Allele origin: unknown.

Blueprint Genetics
Classification: Likely benign. Last evaluated: 2024-08-28. Review status: criteria provided, single submitter. Criteria: ACMG Guidelines, 2015. Collection method: clinical testing. Allele origin: germline.

Ambry Genetics
Classification: Likely benign for Hereditary cancer-predisposing syndrome. Last evaluated: 2017-12-04. Review status: criteria provided, single submitter. Criteria: Ambry Variant Classification Scheme 2023. Collection method: clinical testing. Allele origin: germline.

PreventionGenetics, part of Exact Sciences
Classification: Likely benign for PTCH1-related condition. Last evaluated: 2022-10-13. Review status: no assertion criteria provided. Collection method: clinical testing. Allele origin: germline. Not counted in ClinVar's aggregate classification.
Comment: This variant is classified as likely benign based on ACMG/AMP sequence variant interpretation guidelines (Richards et al. 2015 PMID: 25741868, with internal and published modifications).